The following is an entry in ClinVar:

NM_025099.6(CTC1):c.2783G>A (p.Cys928Tyr)

Gene: CTC1 (CST telomere replication complex component 1; minus strand). Cytogenetic location: 17p13.1.
Variant type: single nucleotide variant.
Coding change: c.2783G>A on transcript NM_025099.6 (MANE Select); coding-DNA position 2783, G replaced by A.
Protein change: p.Cys928Tyr; replaces cysteine 928 with tyrosine.
Molecular consequence: missense variant. On other transcripts: non-coding transcript variant (1).
Genome position (GRCh38, 1-based): chr17:8,230,444, C>T on the plus strand (G>A on the coding strand, the complement: CTC1 is on the minus strand). VCF-style: chr17-8230444-C-T. GRCh37 (hg19) VCF-style: chr17-8133762-C-T.
Other names: short protein forms C928Y.
Identifiers: ClinVar variation 1436706 (VCV001436706.4), dbSNP rs373660155, ClinGen allele CA8371967.

ClinVar aggregate classification (germline): Uncertain significance. Review status: criteria provided, multiple submitters, no conflicts (2 of 4 stars). 2 submissions from 2 submitters: Uncertain significance (2). Last evaluated 2022-08-23.

Conditions:
Dyskeratosis congenita. Identifiers: Orphanet 1775, MedGen C0265965, MONDO:0015780.

Submissions (2):

Labcorp Genetics (formerly Invitae), Labcorp
Classification: Uncertain significance for Dyskeratosis congenita. Last evaluated: 2022-08-23. Review status: criteria provided, single submitter. Criteria: Invitae Variant Classification Sherloc (09022015). Collection method: clinical testing. Allele origin: germline.
Comment: This sequence change replaces cysteine, which is neutral and slightly polar, with tyrosine, which is neutral and polar, at codon 928 of the CTC1 protein (p.Cys928Tyr). This variant is present in population databases (rs373660155, gnomAD 0.003%). This variant has not been reported in the literature in individuals affected with CTC1-related conditions. ClinVar contains an entry for this variant (Variation ID: 1436706). Algorithms developed to predict the effect of missense changes on protein structure and function are either unavailable or do not agree on the potential impact of this missense change (SIFT: "Deleterious"; PolyPhen-2: "Possibly Damaging"; Align-GVGD: "Class C0"). Algorithms developed to predict the effect of sequence changes on RNA splicing suggest that this variant may create or strengthen a splice site. In summary, the available evidence is currently insufficient to determine the role of this variant in disease. Therefore, it has been classified as a Variant of Uncertain Significance.

Blueprint Genetics
Classification: Uncertain significance. Last evaluated: 2022-01-18. Review status: criteria provided, single submitter. Criteria: ACMG Guidelines, 2015. Collection method: clinical testing. Allele origin: germline.